The following is an entry in ClinVar:

NM_001754.5(RUNX1):c.*3642C>T

Gene: RUNX1 (RUNX family transcription factor 1; minus strand). Cytogenetic location: 21q22.12.
Variant type: single nucleotide variant.
Coding change: c.*3642C>T on transcript NM_001754.5 (MANE Select); 3642 bases downstream of the stop codon, C replaced by T.
Molecular consequence: 3 prime UTR variant.
Genome position (GRCh38, 1-based): chr21:34,788,493, G>A on the plus strand (C>T on the coding strand, the complement: RUNX1 is on the minus strand). VCF-style: chr21-34788493-G-A. GRCh37 (hg19) VCF-style: chr21-36160790-G-A.
Other names: c.*3642C>T (NM_001001890.3).
Identifiers: ClinVar variation 897093 (VCV000897093.5), dbSNP rs2056396161, ClinGen allele CA1139666828.

ClinVar aggregate classification (germline): Uncertain significance. Review status: reviewed by expert panel (3 of 4 stars). 2 submissions from 2 submitters: Uncertain significance (1). 1 of the submissions does not count toward it. Last evaluated 2024-11-13.

Conditions:
Hereditary thrombocytopenia and hematologic cancer predisposition syndrome. Identifiers: Orphanet 71290, MedGen CN281654, MONDO:0011071.
Hereditary thrombocytopenia and hematological cancer predisposition syndrome associated with RUNX1. Also called: PLATELET DISORDER, ASPIRIN-LIKE; RUNX1 Familial Platelet Disorder with Associated Myeloid Malignancies; Familial Platelet Disorder with Propensity to Acute Myelogenous Leukemia; Familial thrombocytopenia with propensity to acute myelogenous leukemia. Identifiers: Orphanet 71290, MedGen C1832388, MeSH C563324, MONDO:0100083, OMIM 601399.

Allele frequency attached by ClinVar (database versions not stated): gnomAD exomes 0.00001.
gnomAD v4.1: 1 of 232,910 alleles (0.00043%); highest among the groups gnomAD compares: Non-Finnish European, 0.00085%; no homozygotes.

Submissions (2):

ClinGen Myeloid Malignancy Variant Curation Expert Panel
Classification: Uncertain significance for Hereditary thrombocytopenia and hematologic cancer predisposition syndrome. Last evaluated: 2024-11-13. Review status: reviewed by expert panel. Criteria: ClinGen MyeloMalig ACMG Specifications v2. Collection method: curation. Allele origin: germline. Inheritance: Autosomal dominant inheritance.
Comment: The NM_001754.5(RUNX1):c.*3642C>T is a 3'UTR variant which does not meet any ACMG/AMP criteria. In summary, the clinical significance of this variant is uncertain. ACMG/AMP criteria applied, as specified by the Myeloid Malignancy Variant Curation Expert Panel for RUNX1: None.

Illumina Laboratory Services, Illumina
Classification: Uncertain significance for Hereditary thrombocytopenia and hematological cancer predisposition syndrome associated with RUNX1. Last evaluated: 2018-01-13. Review status: criteria provided, single submitter. Criteria: ICSL Variant Classification Criteria 13 December 2019. Collection method: clinical testing. Allele origin: germline. Not counted in ClinVar's aggregate classification.